The following is an entry in ClinVar:

NM_001126108.2(SLC12A3):c.1196G>C (p.Arg399Pro)

Gene: SLC12A3 (solute carrier family 12 member 3; plus strand). Cytogenetic location: 16q13.
Variant type: single nucleotide variant.
Coding change: c.1196G>C on transcript NM_001126108.2 (MANE Select); coding-DNA position 1196, G replaced by C.
Protein change: p.Arg399Pro; replaces arginine 399 with proline.
Molecular consequence: missense variant.
Genome position (GRCh38, 1-based): chr16:56,879,088, G>C. VCF-style: chr16-56879088-G-C. GRCh37 (hg19) VCF-style: chr16-56913000-G-C.
Other names: c.1196G>C, p.Arg399Pro (NM_000339.3); c.1193G>C, p.Arg398Pro (NM_001126107.2, NM_001410896.1); short protein forms R398P, R399P.
Identifiers: ClinVar variation 2137822 (VCV002137822.4), dbSNP rs13306668, ClinGen allele CA8069398.

ClinVar aggregate classification (germline): Pathogenic (1 of 4 stars; one submission).

gnomAD v4.1: 1 of 1,611,818 alleles (0.000062%); highest among the groups gnomAD compares: Non-Finnish European, 0.000085%; no homozygotes.

Submission:

Labcorp Genetics (formerly Invitae), Labcorp
Classification: Pathogenic. Last evaluated: 2023-05-08. Review status: criteria provided, single submitter. Criteria: Invitae Variant Classification Sherloc (09022015). Collection method: clinical testing. Allele origin: germline.
Comment: This missense change has been observed in individuals with Gitelman syndrome (PMID: 21415153, 28469853). This variant is present in population databases (rs13306668, gnomAD 0.0009%). This sequence change replaces arginine, which is basic and polar, with proline, which is neutral and non-polar, at codon 399 of the SLC12A3 protein (p.Arg399Pro). ClinVar contains an entry for this variant (Variation ID: 2137822). For these reasons, this variant has been classified as Pathogenic. This variant disrupts the p.Arg399 amino acid residue in SLC12A3. Other variant(s) that disrupt this residue have been determined to be pathogenic (PMID: 11168953, 17414160, 18391953, 23328711, 25165177, 26121437). This suggests that this residue is clinically significant, and that variants that disrupt this residue are likely to be disease-causing. Advanced modeling of protein sequence and biophysical properties (such as structural, functional, and spatial information, amino acid conservation, physicochemical variation, residue mobility, and thermodynamic stability) performed at Invitae indicates that this missense variant is expected to disrupt SLC12A3 protein function.

Literature cited by the submitters: PubMed 21415153; PubMed 28469853; PubMed 11168953; PubMed 17414160; PubMed 18391953; PubMed 23328711; PubMed 25165177; PubMed 26121437.